The following is an entry in ClinVar:

ClinVar aggregate classification (germline): Benign. Review status: criteria provided, multiple submitters, no conflicts (2 of 4 stars). 7 submissions from 7 submitters: Benign (7). Last evaluated 2026-02-03.

Conditions:
Inborn genetic diseases. Identifiers: MedGen C0950123, MeSH D030342.
Developmental and epileptic encephalopathy 94 (DEE94). Also called: Epileptic encephalopathy, childhood-onset; CHD2-Related Neurodevelopmental Disorders. Identifiers: Orphanet 1942, Orphanet 2382, MedGen C3809278, MONDO:0014150, OMIM 615369.

Allele frequency attached by ClinVar (database versions not stated): 1000 Genomes Project 30x 0.01046; 1000 Genomes Project 0.01058; TOPMed 0.01700; ESP Exome Variant Server 0.02063; gnomAD 0.02390.
gnomAD v4.1: 41,406 of 1,613,986 alleles (2.6%); highest among the groups gnomAD compares: Non-Finnish European, 3%; 635 homozygotes.

Submissions (7):

Labcorp Genetics (formerly Invitae), Labcorp
Classification: Benign for Developmental and epileptic encephalopathy 94. Last evaluated: 2026-02-03. Review status: criteria provided, single submitter. Criteria: Invitae Variant Classification Sherloc (09022015). Collection method: clinical testing. Allele origin: germline.

Mayo Clinic Laboratories, Mayo Clinic
Classification: Benign. Last evaluated: 2019-02-12. Review status: criteria provided, single submitter. Criteria: ACMG Guidelines, 2015. Collection method: clinical testing. Allele origin: germline. Observed: 19 variant alleles.

Athena Diagnostics
Classification: Benign. Last evaluated: 2017-11-17. Review status: criteria provided, single submitter. Criteria: Athena Diagnostics Criteria. Collection method: clinical testing. Allele origin: germline.

Ambry Genetics
Classification: Benign for Inborn genetic diseases. Last evaluated: 2016-04-25. Review status: criteria provided, single submitter. Criteria: Ambry Variant Classification Scheme 2023. Collection method: clinical testing. Allele origin: germline.

GeneDx
Classification: Benign. Last evaluated: 2016-01-12. Review status: criteria provided, single submitter. Criteria: GeneDx Variant Classification (06012015). Collection method: clinical testing. Allele origin: germline. Affected: yes.
Comment: This variant is considered likely benign or benign based on one or more of the following criteria: it is a conservative change, it occurs at a poorly conserved position in the protein, it is predicted to be benign by multiple in silico algorithms, and/or has population frequency not consistent with disease.

Breakthrough Genomics
Classification: Benign. Review status: criteria provided, single submitter. Criteria: ACMG Guidelines, 2015. Collection method: not provided. Allele origin: germline. Inheritance: Autosomal dominant inheritance. Affected: yes.

PreventionGenetics, part of Exact Sciences
Classification: Benign. Review status: criteria provided, single submitter. Criteria: ACMG Guidelines, 2015. Collection method: clinical testing. Allele origin: germline.

NM_001271.4(CHD2):c.4721G>C (p.Gly1574Ala)

Gene: CHD2 (chromodomain helicase DNA binding protein 2; plus strand). Cytogenetic location: 15q26.1.
Variant type: single nucleotide variant.
Coding change: c.4721G>C on transcript NM_001271.4 (MANE Select); coding-DNA position 4721, G replaced by C.
Protein change: p.Gly1574Ala; replaces glycine 1574 with alanine.
Molecular consequence: missense variant.
Genome position (GRCh38, 1-based): chr15:93,014,724, G>C. VCF-style: chr15-93014724-G-C. GRCh37 (hg19) VCF-style: chr15-93557954-G-C.
Other names: short protein forms G1574A.
Identifiers: ClinVar variation 257712 (VCV000257712.19), dbSNP rs56227200, ClinGen allele CA7748545.